The following is an entry in ClinVar:

ClinVar aggregate classification (germline): Uncertain significance (1 of 4 stars; one submission).

Conditions:
Familial episodic pain syndrome with predominantly lower limb involvement. Also called: Episodic pain syndrome, familial, 3. Identifiers: Orphanet 391384, Orphanet 391392, MedGen C3809899, MONDO:0014247, OMIM 615552.
Hereditary sensory and autonomic neuropathy type 7. Also called: Neuropathy, hereditary sensory and autonomic, type VII; HSAN VII. Identifiers: Orphanet 391397, MedGen C3809882, MONDO:0014244, OMIM 615548.

Allele frequency attached by ClinVar (database versions not stated): gnomAD exomes below 0.00001 and 0.00001; TOPMed below 0.00001.
gnomAD v4.1: 7 of 1,610,830 alleles (0.00043%); highest among the groups gnomAD compares: Non-Finnish European, 0.00059%; no homozygotes.

Submission:

Labcorp Genetics (formerly Invitae), Labcorp
Classification: Uncertain significance for Familial episodic pain syndrome with predominantly lower limb involvement; Hereditary sensory and autonomic neuropathy type 7. Last evaluated: 2024-03-13. Review status: criteria provided, single submitter. Criteria: Invitae Variant Classification Sherloc (09022015). Collection method: clinical testing. Allele origin: germline.
Comment: This sequence change replaces isoleucine, which is neutral and non-polar, with valine, which is neutral and non-polar, at codon 1362 of the SCN11A protein (p.Ile1362Val). This variant is present in population databases (no rsID available, gnomAD 0.0009%). This variant has not been reported in the literature in individuals affected with SCN11A-related conditions. ClinVar contains an entry for this variant (Variation ID: 1438938). Advanced modeling of protein sequence and biophysical properties (such as structural, functional, and spatial information, amino acid conservation, physicochemical variation, residue mobility, and thermodynamic stability) performed at Invitae indicates that this missense variant is not expected to disrupt SCN11A protein function with a negative predictive value of 80%. In summary, the available evidence is currently insufficient to determine the role of this variant in disease. Therefore, it has been classified as a Variant of Uncertain Significance.

NM_001349253.2(SCN11A):c.4084A>G (p.Ile1362Val)

Gene: SCN11A (sodium voltage-gated channel alpha subunit 11; minus strand). Cytogenetic location: 3p22.2.
Variant type: single nucleotide variant.
Coding change: c.4084A>G on transcript NM_001349253.2 (MANE Select); coding-DNA position 4084, A replaced by G.
Protein change: p.Ile1362Val; replaces isoleucine 1362 with valine.
Molecular consequence: missense variant.
Genome position (GRCh38, 1-based): chr3:38,850,724, T>C on the plus strand (A>G on the coding strand, the complement: SCN11A is on the minus strand). VCF-style: chr3-38850724-T-C. GRCh37 (hg19) VCF-style: chr3-38892215-T-C.
Other names: c.4084A>G, p.Ile1362Val (NM_014139.3); short protein forms I1362V.
Identifiers: ClinVar variation 1438938 (VCV001438938.6), dbSNP rs1360833215, ClinGen allele CA352166002.